The following is an entry in ClinVar:

NM_004385.5(VCAN):c.4551A>C (p.Lys1517Asn)

Genes: VCAN (versican; plus strand), VCAN-AS1 (VCAN antisense RNA 1; minus strand). Cytogenetic location: 5q14.3.
Variant type: single nucleotide variant.
Coding change: c.4551A>C on transcript NM_004385.5 (MANE Select); coding-DNA position 4551, A replaced by C.
Protein change: p.Lys1517Asn; replaces lysine 1517 with asparagine.
Molecular consequence: missense variant. On other transcripts: intron variant (2).
Genome position (GRCh38, 1-based): chr5:83,537,554, A>C. VCF-style: chr5-83537554-A-C. GRCh37 (hg19) VCF-style: chr5-82833373-A-C.
Other names: c.1590A>C, p.Lys530Asn (NM_001164097.2); c.4004-7983A>C (NM_001164098.2); c.1043-7983A>C (NM_001126336.3); c.4551A>C (NM_004385.4); short protein forms K530N, K1517N.
Identifiers: ClinVar variation 1512078 (VCV001512078.9), dbSNP rs902607193, ClinGen allele CA121808578.

ClinVar aggregate classification (germline): Uncertain significance. Review status: criteria provided, multiple submitters, no conflicts (2 of 4 stars). 2 submissions from 2 submitters: Uncertain significance (2). Last evaluated 2025-08-24.

Conditions:
Inborn genetic diseases. Identifiers: MedGen C0950123, MeSH D030342.

Allele frequency attached by ClinVar (database versions not stated): gnomAD exomes 0.00001.

Submissions (2):

Ambry Genetics
Classification: Uncertain significance for Inborn genetic diseases. Last evaluated: 2025-08-24. Review status: criteria provided, single submitter. Criteria: Ambry Variant Classification Scheme 2023. Collection method: clinical testing. Allele origin: germline.

Labcorp Genetics (formerly Invitae), Labcorp
Classification: Uncertain significance. Last evaluated: 2020-12-26. Review status: criteria provided, single submitter. Criteria: Invitae Variant Classification Sherloc (09022015). Collection method: clinical testing. Allele origin: germline.
Comment: This sequence change replaces lysine with asparagine at codon 1517 of the VCAN protein (p.Lys1517Asn). The lysine residue is weakly conserved and there is a moderate physicochemical difference between lysine and asparagine. This variant is not present in population databases (ExAC no frequency). This variant has not been reported in the literature in individuals with VCAN-related conditions. Algorithms developed to predict the effect of missense changes on protein structure and function (SIFT, PolyPhen-2, Align-GVGD) all suggest that this variant is likely to be tolerated, but these predictions have not been confirmed by published functional studies and their clinical significance is uncertain. In summary, the available evidence is currently insufficient to determine the role of this variant in disease. Therefore, it has been classified as a Variant of Uncertain Significance.